The following is an entry in ClinVar:

ClinVar aggregate classification (germline): Uncertain significance. Review status: criteria provided, multiple submitters, no conflicts (2 of 4 stars). 2 submissions from 2 submitters: Uncertain significance (2). Last evaluated 2024-04-06.

Conditions:
Hereditary cancer-predisposing syndrome. Also called: Tumor predisposition; Neoplastic Syndromes, Hereditary; Hereditary Cancer Syndrome; Hereditary neoplastic syndrome. Identifiers: Orphanet 140162, MedGen C0027672, MeSH D009386, MONDO:0015356.

Allele frequency attached by ClinVar (database versions not stated): gnomAD exomes below 0.00001; ExAC 0.00001.
gnomAD v4.1: 2 of 1,614,128 alleles (0.00012%); highest among the groups gnomAD compares: South Asian, 0.0011%; no homozygotes.

Submissions (2):

Labcorp Genetics (formerly Invitae), Labcorp
Classification: Uncertain significance. Last evaluated: 2024-04-06. Review status: criteria provided, single submitter. Criteria: Invitae Variant Classification Sherloc (09022015). Collection method: clinical testing. Allele origin: germline.
Comment: This sequence change replaces serine, which is neutral and polar, with proline, which is neutral and non-polar, at codon 1027 of the POLE protein (p.Ser1027Pro). This variant is present in population databases (rs754005428, gnomAD 0.003%). This variant has not been reported in the literature in individuals affected with POLE-related conditions. ClinVar contains an entry for this variant (Variation ID: 1727340). Advanced modeling of protein sequence and biophysical properties (such as structural, functional, and spatial information, amino acid conservation, physicochemical variation, residue mobility, and thermodynamic stability) performed at Invitae indicates that this missense variant is not expected to disrupt POLE protein function with a negative predictive value of 80%. In summary, the available evidence is currently insufficient to determine the role of this variant in disease. Therefore, it has been classified as a Variant of Uncertain Significance.

Ambry Genetics
Classification: Uncertain significance for Hereditary cancer-predisposing syndrome. Last evaluated: 2022-10-02. Review status: criteria provided, single submitter. Criteria: Ambry Variant Classification Scheme 2023. Collection method: clinical testing. Allele origin: germline.
Comment: The p.S1027P variant (also known as c.3079T>C), located in coding exon 26 of the POLE gene, results from a T to C substitution at nucleotide position 3079. The serine at codon 1027 is replaced by proline, an amino acid with similar properties. This amino acid position is conserved. In addition, this alteration is predicted to be tolerated by in silico analysis. Since supporting evidence is limited at this time, the clinical significance of this alteration remains unclear.

NM_006231.4(POLE):c.3079T>C (p.Ser1027Pro)

Gene: POLE (DNA polymerase epsilon, catalytic subunit; minus strand). Cytogenetic location: 12q24.33.
Variant type: single nucleotide variant.
Coding change: c.3079T>C on transcript NM_006231.4 (MANE Select); coding-DNA position 3079, T replaced by C.
Protein change: p.Ser1027Pro; replaces serine 1027 with proline.
Molecular consequence: missense variant.
Genome position (GRCh38, 1-based): chr12:132,659,491, A>G on the plus strand (T>C on the coding strand, the complement: POLE is on the minus strand). VCF-style: chr12-132659491-A-G. GRCh37 (hg19) VCF-style: chr12-133236077-A-G.
Other names: short protein forms S1027P.
Identifiers: ClinVar variation 1727340 (VCV001727340.4), dbSNP rs754005428, ClinGen allele CA6893360.